The following is an entry in ClinVar:

ClinVar aggregate classification (germline): Uncertain significance (1 of 4 stars; one submission).

Allele frequency attached by ClinVar (database versions not stated): gnomAD 0.00001; gnomAD exomes 0.00001; ExAC 0.00002.
gnomAD v4.1: 7 of 1,600,482 alleles (0.00044%); highest among the groups gnomAD compares: Admixed American, 0.012%; no homozygotes.

Submission:

Labcorp Genetics (formerly Invitae), Labcorp
Classification: Uncertain significance. Last evaluated: 2022-07-13. Review status: criteria provided, single submitter. Criteria: Invitae Variant Classification Sherloc (09022015). Collection method: clinical testing. Allele origin: germline.
Comment: This sequence change replaces cysteine, which is neutral and slightly polar, with serine, which is neutral and polar, at codon 941 of the LTBP4 protein (p.Cys941Ser). This variant is present in population databases (rs766287114, gnomAD 0.02%). This variant has not been reported in the literature in individuals affected with LTBP4-related conditions. Experimental studies and prediction algorithms are not available or were not evaluated, and the functional significance of this variant is currently unknown. In summary, the available evidence is currently insufficient to determine the role of this variant in disease. Therefore, it has been classified as a Variant of Uncertain Significance.

NM_001042545.2(LTBP4):c.2732G>C (p.Cys911Ser)

Gene: LTBP4 (latent transforming growth factor beta binding protein 4; plus strand). Cytogenetic location: 19q13.2.
Variant type: single nucleotide variant.
Coding change: c.2732G>C on transcript NM_001042545.2 (MANE Select); coding-DNA position 2732, G replaced by C.
Protein change: p.Cys911Ser; replaces cysteine 911 with serine.
Molecular consequence: missense variant.
Genome position (GRCh38, 1-based): chr19:40,614,366, G>C. VCF-style: chr19-40614366-G-C. GRCh37 (hg19) VCF-style: chr19-41120272-G-C.
Other names: c.2933G>C, p.Cys978Ser (NM_001042544.1); c.2822G>C, p.Cys941Ser (NM_003573.2); short protein forms C941S, C978S, C911S.
Identifiers: ClinVar variation 1895621 (VCV001895621.2), dbSNP rs766287114, ClinGen allele CA9448783.